The following is an entry in ClinVar:

NM_017934.7(PHIP):c.4985dup (p.Pro1663fs)

Genes: IRAK1BP1 (interleukin 1 receptor associated kinase 1 binding protein 1; plus strand), PHIP (PHIP subunit of CUL4-Ring ligase complex; minus strand). Cytogenetic location: 6q14.1.
Variant type: Duplication.
Coding change: c.4985dup on transcript NM_017934.7 (MANE Select); coding-DNA position 4985, one base duplicated (A; older notation c.4985dupA).
Protein change: p.Pro1663fs; shifts the reading frame from proline 1663.
Molecular consequence: frameshift variant.
Genome position (GRCh38, 1-based): chr6:78,941,174, T duplicated on the plus strand (A on the coding strand, the reverse complement: PHIP is on the minus strand); the first of 3 consecutive T bases (chr6:78,941,174-78,941,176); duplicating any one gives the same sequence. VCF-style (leftmost placement, unchanged base first): chr6-78941173-C-CT. GRCh37 (hg19) VCF-style: chr6-79650890-C-CT.
Other names: short protein forms P1663fs.
Identifiers: ClinVar variation 4992210 (VCV004992210.1).

ClinVar aggregate classification (germline): Likely pathogenic (1 of 4 stars; one submission).

Conditions:
PHIP-related disorder. Also called: PHIP-related disorders; PHIP-related condition.

Submission:

PreventionGenetics, part of Exact Sciences
Classification: Likely pathogenic for PHIP-related condition. Last evaluated: 2025-09-17. Review status: criteria provided, single submitter. Criteria: ACMG Guidelines, 2015. Collection method: clinical testing. Allele origin: germline.
Comment: The PHIP c.4985dupA variant is predicted to result in a frameshift and premature protein termination (p.Pro1663Alafs*16). To our knowledge, this variant has not been reported in the literature or in a large population database (gnomAD), indicating this variant is rare. Frameshift variants in PHIP are expected to be pathogenic. This variant is interpreted as likely pathogenic.